The following is an entry in ClinVar:

NM_001113378.2(FANCI):c.446-2A>G

Gene: FANCI (FA complementation group I; plus strand). Cytogenetic location: 15q26.1.
Variant type: single nucleotide variant.
Coding change: c.446-2A>G on transcript NM_001113378.2 (MANE Select); the canonical splice acceptor site of the intron before coding-DNA position 446, A replaced by G.
Molecular consequence: splice acceptor variant.
Genome position (GRCh38, 1-based): chr15:89,261,819, A>G. VCF-style: chr15-89261819-A-G. GRCh37 (hg19) VCF-style: chr15-89805050-A-G.
Other names: c.446-2A>G (NM_018193.3, NM_001376911.1); c.167-2A>G (NM_001376910.1).
Identifiers: ClinVar variation 2730629 (VCV002730629.3), dbSNP rs2505910980, ClinGen allele CA393738491.

ClinVar aggregate classification (germline): Likely pathogenic (1 of 4 stars; one submission).

Conditions:
Fanconi anemia (FA). Also called: Fanconi's anemia. Identifiers: Orphanet 84, MedGen C0015625, MeSH D005199, MONDO:0019391.

Submission:

Labcorp Genetics (formerly Invitae), Labcorp
Classification: Likely pathogenic for Fanconi anemia. Last evaluated: 2023-02-01. Review status: criteria provided, single submitter. Criteria: Invitae Variant Classification Sherloc (09022015). Collection method: clinical testing. Allele origin: germline.
Comment: In summary, the currently available evidence indicates that the variant is pathogenic, but additional data are needed to prove that conclusively. Therefore, this variant has been classified as Likely Pathogenic. Algorithms developed to predict the effect of sequence changes on RNA splicing suggest that this variant may disrupt the consensus splice site. This variant has not been reported in the literature in individuals affected with FANCI-related conditions. This variant is not present in population databases (gnomAD no frequency). This sequence change affects an acceptor splice site in intron 5 of the FANCI gene. It is expected to disrupt RNA splicing. Variants that disrupt the donor or acceptor splice site typically lead to a loss of protein function (PMID: 16199547), and loss-of-function variants in FANCI are known to be pathogenic (PMID: 17452773, 17460694).

Literature cited by the submitters: PubMed 16199547; PubMed 17452773; PubMed 17460694.